The following is an entry in ClinVar:

NM_017654.4(SAMD9):c.2698G>A (p.Val900Met)

Gene: SAMD9 (sterile alpha motif domain containing 9; minus strand). Cytogenetic location: 7q21.2.
Variant type: single nucleotide variant.
Coding change: c.2698G>A on transcript NM_017654.4 (MANE Select); coding-DNA position 2698, G replaced by A.
Protein change: p.Val900Met; replaces valine 900 with methionine.
Molecular consequence: missense variant.
Genome position (GRCh38, 1-based): chr7:93,103,400, C>T on the plus strand (G>A on the coding strand, the complement: SAMD9 is on the minus strand). VCF-style: chr7-93103400-C-T. GRCh37 (hg19) VCF-style: chr7-92732713-C-T.
Other names: c.2698G>A, p.Val900Met (NM_001193307.2); c.2698G>A (NM_017654.3); short protein forms V900M.
Identifiers: ClinVar variation 1914904 (VCV001914904.3), dbSNP rs776558032, ClinGen allele CA4342796.
Genomic context (GRCh38, chr7:93,103,400, plus strand): 5'-AAGAAAAGAGCTTTGCTTCCTTGGTGAAAATATTCTGCCCTTTCAGGATATTCCGGACCA[C>T]ATTTTCTATGTATTCTTTATTAAAATTGGTTTTCATGATCATAAAGGAATAAAAATCCTC-3'
Protein context (NP_060124.2, residues 890-910): TNFNKEYIEN[Val900Met]VRNILKGQNI

ClinVar aggregate classification (germline): Uncertain significance. Review status: criteria provided, multiple submitters, no conflicts (2 of 4 stars). 2 submissions from 2 submitters: Uncertain significance (2). Last evaluated 2024-11-28.

Conditions:
Inborn genetic diseases. Identifiers: MedGen C0950123, MeSH D030342.

Allele frequency attached by ClinVar (database versions not stated): gnomAD exomes below 0.00001; ExAC 0.00001; gnomAD 0.00001; TOPMed 0.00002.
gnomAD v4.1: 7 of 1,613,386 alleles (0.00043%); highest among the groups gnomAD compares: Admixed American, 0.005%; no homozygotes.

Submissions (2):

Ambry Genetics
Classification: Uncertain significance for Inborn genetic diseases. Last evaluated: 2024-11-28. Review status: criteria provided, single submitter. Criteria: Ambry Variant Classification Scheme 2023. Collection method: clinical testing. Allele origin: germline.
Comment: The p.V900M variant (also known as c.2698G>A), located in coding exon 1 of the SAMD9 gene, results from a G to A substitution at nucleotide position 2698. The valine at codon 900 is replaced by methionine, an amino acid with highly similar properties. This amino acid position is conserved. In addition, this alteration is predicted to be tolerated by in silico analysis. Based on the available evidence, the clinical significance of this variant remains unclear.

Labcorp Genetics (formerly Invitae), Labcorp
Classification: Uncertain significance. Last evaluated: 2022-04-25. Review status: criteria provided, single submitter. Criteria: Invitae Variant Classification Sherloc (09022015). Collection method: clinical testing. Allele origin: germline.
Comment: This sequence change replaces valine, which is neutral and non-polar, with methionine, which is neutral and non-polar, at codon 900 of the SAMD9 protein (p.Val900Met). This variant is present in population databases (rs776558032, gnomAD 0.003%). This variant has not been reported in the literature in individuals affected with SAMD9-related conditions. Algorithms developed to predict the effect of missense changes on protein structure and function are either unavailable or do not agree on the potential impact of this missense change (SIFT: "Deleterious"; PolyPhen-2: "Probably Damaging"; Align-GVGD: "Class C0"). In summary, the available evidence is currently insufficient to determine the role of this variant in disease. Therefore, it has been classified as a Variant of Uncertain Significance.